The following is an entry in ClinVar:

ClinVar aggregate classification (germline): Pathogenic (1 of 4 stars; one submission).

Conditions:
Hereditary diffuse gastric adenocarcinoma (HDGC). Also called: DIFFUSE GASTRIC AND LOBULAR BREAST CANCER SYNDROME. Identifiers: Orphanet 26106, MedGen C1708349, MONDO:0007648, OMIM 137215.

Submission:

Labcorp Genetics (formerly Invitae), Labcorp
Classification: Pathogenic for Hereditary diffuse gastric adenocarcinoma. Last evaluated: 2021-05-25. Review status: criteria provided, single submitter. Criteria: Invitae Variant Classification Sherloc (09022015). Collection method: clinical testing. Allele origin: germline.
Comment: For these reasons, this variant has been classified as Pathogenic. This variant has not been reported in the literature in individuals with CDH1-related conditions. This variant is not present in population databases (ExAC no frequency). This sequence change creates a premature translational stop signal (p.Thr118Glufs*51) in the CDH1 gene. It is expected to result in an absent or disrupted protein product. Loss-of-function variants in CDH1 are known to be pathogenic (PMID: 15235021, 20373070).

Literature cited by the submitters: PubMed 15235021; PubMed 20373070.

NM_004360.5(CDH1):c.348_351dup (p.Thr118fs)

Gene: CDH1 (cadherin 1; plus strand). Cytogenetic location: 16q22.1.
Variant type: Duplication.
Coding change: c.348_351dup on transcript NM_004360.5 (MANE Select); coding-DNA positions 348 to 351, 4 bases duplicated (GAAT; older notation c.348_351dupGAAT).
Protein change: p.Thr118fs; shifts the reading frame from threonine 118.
Molecular consequence: frameshift variant. On other transcripts: 5 prime UTR variant (2).
Genome position (GRCh38, 1-based): chr16:68,801,854-68,801,857, GAAT duplicated; duplicating any 4 consecutive bases within chr16:68,801,853-68,801,857 gives the same sequence; the c. name uses the placement nearest the transcript's 3' end. VCF-style (leftmost placement, unchanged base first): chr16-68801852-C-CTGAA. GRCh37 (hg19) VCF-style: chr16-68835755-C-CTGAA.
Other names: c.348_351dup, p.Thr118fs (NM_001317184.2); c.-1268_-1265dup (NM_001317185.2); c.-1472_-1469dup (NM_001317186.2); short protein forms T118fs.
Identifiers: ClinVar variation 1357619 (VCV001357619.6), dbSNP rs2152126989, ClinGen allele CA2573152591.